The following is an entry in ClinVar:

NM_001009999.3(KDM1A):c.1984C>G (p.Gln662Glu)

Gene: KDM1A (lysine demethylase 1A; plus strand). Cytogenetic location: 1p36.12.
Variant type: single nucleotide variant.
Coding change: c.1984C>G on transcript NM_001009999.3 (MANE Select); coding-DNA position 1984, C replaced by G.
Protein change: p.Gln662Glu; replaces glutamine 662 with glutamic acid.
Molecular consequence: missense variant.
Genome position (GRCh38, 1-based): chr1:23,079,106, C>G. VCF-style: chr1-23079106-C-G. GRCh37 (hg19) VCF-style: chr1-23405599-C-G.
Other names: c.1930C>G, p.Gln644Glu (NM_001363654.2); c.1990C>G, p.Gln664Glu (NM_001410762.1); c.1912C>G, p.Gln638Glu (NM_001410763.1, NM_015013.4); short protein forms Q644E, Q638E, Q662E, Q664E.
Identifiers: ClinVar variation 4622673 (VCV004622673.1).

ClinVar aggregate classification (germline): Uncertain significance (1 of 4 stars; one submission).

Conditions:
Inborn genetic diseases. Identifiers: MedGen C0950123, MeSH D030342.

gnomAD v4.1: 3 of 1,614,208 alleles (0.00019%); highest among the groups gnomAD compares: Non-Finnish European, 0.00025%; no homozygotes.

Submission:

Ambry Genetics
Classification: Uncertain significance for Inborn genetic diseases. Last evaluated: 2025-10-11. Review status: criteria provided, single submitter. Criteria: Ambry Variant Classification Scheme 2023. Collection method: clinical testing. Allele origin: germline.
Comment: The p.Q662E variant (also known as c.1984C>G), located in coding exon 17 of the KDM1A gene, results from a C to G substitution at nucleotide position 1984. The glutamine at codon 662 is replaced by glutamic acid, an amino acid with highly similar properties. This amino acid position is conserved. In addition, the in silico prediction for this alteration is inconclusive. Based on the available evidence, the clinical significance of this variant remains unclear.